The following is an entry in ClinVar:

NM_001267550.2(TTN):c.69125G>A (p.Gly23042Asp)

Genes: TTN (titin; minus strand), TTN-AS1 (TTN antisense RNA 1; plus strand). Cytogenetic location: 2q31.2.
Variant type: single nucleotide variant.
Coding change: c.69125G>A on transcript NM_001267550.2 (MANE Select); coding-DNA position 69125, G replaced by A.
Protein change: p.Gly23042Asp; replaces glycine 23042 with aspartic acid.
Molecular consequence: missense variant.
Genome position (GRCh38, 1-based): chr2:178,577,210, C>T on the plus strand (G>A on the coding strand, the complement: TTN is on the minus strand). VCF-style: chr2-178577210-C-T. GRCh37 (hg19) VCF-style: chr2-179441937-C-T.
Other names: c.64202G>A, p.Gly21401Asp (NM_001256850.1); c.41930G>A, p.Gly13977Asp (NM_003319.4); c.61421G>A, p.Gly20474Asp (NM_133378.4); c.42305G>A, p.Gly14102Asp (NM_133432.3); c.42506G>A, p.Gly14169Asp (NM_133437.4); short protein forms G13977D, G14102D, G14169D, G20474D, G21401D, G23042D.
Identifiers: ClinVar variation 3573551 (VCV003573551.1).

ClinVar aggregate classification (germline): Uncertain significance (1 of 4 stars; one submission).

gnomAD v4.1: 1 of 1,612,822 alleles (0.000062%); highest among the groups gnomAD compares: South Asian, 0.0011%; no homozygotes.

Submission:

GeneDx
Classification: Uncertain significance. Last evaluated: 2024-07-18. Review status: criteria provided, single submitter. Criteria: GeneDx Variant Classification Process June 2021. Collection method: clinical testing. Allele origin: germline. Affected: yes.
Comment: Not observed at significant frequency in large population cohorts (gnomAD); Missense variant in a gene in which most reported pathogenic variants are truncating/loss of function; Has not been previously published as pathogenic or benign to our knowledge; Located in the A-band region of TTN in which the majority of loss of function variants have been associated with autosomal dominant titinopathies (PMID: 22335739)